The following is an entry in ClinVar:

NM_005560.6(LAMA5):c.6414C>T (p.Ser2138=)

Gene: LAMA5 (laminin subunit alpha 5; minus strand). Cytogenetic location: 20q13.33.
Variant type: single nucleotide variant.
Coding change: c.6414C>T on transcript NM_005560.6 (MANE Select); coding-DNA position 6414, C replaced by T.
Protein change: p.Ser2138=; no amino-acid change (serine 2138 retained).
Molecular consequence: synonymous variant.
Genome position (GRCh38, 1-based): chr20:62,322,101, G>A on the plus strand (C>T on the coding strand, the complement: LAMA5 is on the minus strand). VCF-style: chr20-62322101-G-A. GRCh37 (hg19) VCF-style: chr20-60897157-G-A.
Identifiers: ClinVar variation 3054592 (VCV003054592.2), dbSNP rs768456092, ClinGen allele CA9941752.
Genomic context (GRCh38, chr20:62,322,101, plus strand): 5'-CACAGGCCCGCCTGGAACAGGCACCTGATGCTGCTGGCTGCAGGTGTCGCAGCGCTCCCC[G>A]CTGAGCCCCGGGGGGCAGTTGCAGCGGCCCGTGTGAGGGTCACAGCGGCCCCCAGGGCAC-3'
Protein context (NP_005551.3, residues 2128-2148): TGRCNCPPGL[Ser2138=]GERCDTCSQQ

ClinVar aggregate classification (germline): Likely benign (0 of 4 stars; one submission).

Conditions:
LAMA5-related disorder. Also called: LAMA5-Related Disorders; LAMA5-related condition.

Allele frequency attached by ClinVar (database versions not stated): TOPMed 0.00012; gnomAD 0.00008.
gnomAD v4.1: 55 of 1,602,430 alleles (0.0034%); highest among the groups gnomAD compares: African/African-American, 0.017%; no homozygotes.

Submission:

PreventionGenetics, part of Exact Sciences
Classification: Likely benign for LAMA5-related condition. Last evaluated: 2022-03-14. Review status: no assertion criteria provided. Collection method: clinical testing. Allele origin: germline.
Comment: This variant is classified as likely benign based on ACMG/AMP sequence variant interpretation guidelines (Richards et al. 2015 PMID: 25741868, with internal and published modifications).